The following is an entry in ClinVar:

ClinVar aggregate classification (germline): Uncertain significance (1 of 4 stars; one submission).

Conditions:
Cardiovascular phenotype. Identifiers: MedGen CN230736.

Submission:

Ambry Genetics
Classification: Uncertain significance for Cardiovascular phenotype. Last evaluated: 2026-07-21. Review status: criteria provided, single submitter. Criteria: Ambry Variant Classification Scheme 2023. Collection method: clinical testing. Allele origin: germline.
Comment: The p.E202K variant (also known as c.604G>A), located in coding exon 8 of the TNNI3 gene, results from a G to A substitution at nucleotide position 604. The glutamic acid at codon 202 is replaced by lysine, an amino acid with similar properties. This amino acid position is conserved. In addition, this alteration is predicted to be deleterious by in silico analysis. Based on the available evidence, the clinical significance of this variant remains unclear.

NM_000363.5(TNNI3):c.604G>A (p.Glu202Lys)

Gene: TNNI3 (troponin I3, cardiac type; minus strand). Cytogenetic location: 19q13.42.
Variant type: single nucleotide variant.
Coding change: c.604G>A on transcript NM_000363.5 (MANE Select); coding-DNA position 604, G replaced by A.
Protein change: p.Glu202Lys; replaces glutamic acid 202 with lysine.
Molecular consequence: missense variant.
Genome position (GRCh38, 1-based): chr19:55,151,863, C>T on the plus strand (G>A on the coding strand, the complement: TNNI3 is on the minus strand). VCF-style: chr19-55151863-C-T. GRCh37 (hg19) VCF-style: chr19-55663231-C-T.
Other names: short protein forms E202K.
Identifiers: ClinVar variation 5030978 (VCV005030978.1).